The following is an entry in ClinVar:

NM_001042681.2(RERE):c.4407C>T (p.Pro1469=)

Gene: RERE (arginine-glutamic acid dipeptide repeats; minus strand). Cytogenetic location: 1p36.23.
Variant type: single nucleotide variant.
Coding change: c.4407C>T on transcript NM_001042681.2 (MANE Select); coding-DNA position 4407, C replaced by T.
Protein change: p.Pro1469=; no amino-acid change (proline 1469 retained).
Molecular consequence: synonymous variant.
Genome position (GRCh38, 1-based): chr1:8,356,179, G>A on the plus strand (C>T on the coding strand, the complement: RERE is on the minus strand). VCF-style: chr1-8356179-G-A. GRCh37 (hg19) VCF-style: chr1-8416239-G-A.
Other names: c.2745C>T, p.Pro915= (NM_001042682.2); c.4407C>T, p.Pro1469= (NM_012102.4).
Identifiers: ClinVar variation 2581576 (VCV002581576.1), dbSNP rs1641284945, ClinGen allele CA415842255.

ClinVar aggregate classification (germline): Likely benign (1 of 4 stars; one submission).

Allele frequency attached by ClinVar (database versions not stated): gnomAD exomes below 0.00001.
gnomAD v4.1: 4 of 1,521,592 alleles (0.00026%); highest among the groups gnomAD compares: Non-Finnish European, 0.00035%; no homozygotes.

Submission:

Women's Health and Genetics/Laboratory Corporation of America, LabCorp
Classification: Likely benign. Last evaluated: 2023-08-08. Review status: criteria provided, single submitter. Criteria: LabCorp Variant Classification Summary - May 2015. Collection method: clinical testing. Allele origin: germline.
Comment: Variant summary: RERE c.4407C>T alters a non-conserved nucleotide resulting in a synonymous change. 4/4 computational tools predict no significant impact on normal splicing. However, these predictions have yet to be confirmed by functional studies. The variant was absent in 167928 control chromosomes. The available data on variant occurrences in the general population are insufficient to allow any conclusion about variant significance. To our knowledge, no occurrence of c.4407C>T in individuals affected with Neurodevelopmental Disorder With Or Without Anomalies Of The Brain, Eye, Or Heart and no experimental evidence demonstrating its impact on protein function have been reported. No submitters have cited clinical-significance assessments for this variant to ClinVar after 2014. Based on the evidence outlined above, the variant was classified as likely benign.